The following is an entry in ClinVar:

ClinVar aggregate classification (germline): Uncertain significance (1 of 4 stars; one submission).

Conditions:
LAMA3-related disorder. Also called: LAMA3-related disorders; LAMA3-related condition.

gnomAD v4.1: 159 of 1,612,744 alleles (0.0099%); highest among the groups gnomAD compares: Non-Finnish European, 0.013%; no homozygotes.

Submission:

PreventionGenetics, part of Exact Sciences
Classification: Uncertain significance for LAMA3-related condition. Last evaluated: 2026-03-03. Review status: criteria provided, single submitter. Criteria: ACMG Guidelines, 2015. Collection method: clinical testing. Allele origin: germline.
Comment: The LAMA3 c.3890C>T variant is predicted to result in the amino acid substitution p.Thr1297Ile. To our knowledge, this variant has not been reported in the literature. This variant is reported in 0.0036% of alleles in individuals of European (Non-Finnish) descent in gnomAD. At this time, the clinical significance of this variant is uncertain due to the absence of conclusive functional and genetic evidence.

NM_198129.4(LAMA3):c.3890C>T (p.Thr1297Ile)

Gene: LAMA3 (laminin subunit alpha 3; plus strand). Cytogenetic location: 18q11.2.
Variant type: single nucleotide variant.
Coding change: c.3890C>T on transcript NM_198129.4 (MANE Select); coding-DNA position 3890, C replaced by T.
Protein change: p.Thr1297Ile; replaces threonine 1297 with isoleucine.
Molecular consequence: missense variant.
Genome position (GRCh38, 1-based): chr18:23,846,467, C>T. VCF-style: chr18-23846467-C-T. GRCh37 (hg19) VCF-style: chr18-21426431-C-T.
Other names: c.3890C>T, p.Thr1297Ile (NM_001127717.4); short protein forms T1297I.
Identifiers: ClinVar variation 4977262 (VCV004977262.1).